The following is an entry in ClinVar:

ClinVar aggregate classification (germline): Likely benign. Review status: criteria provided, multiple submitters, no conflicts (2 of 4 stars). 2 submissions from 2 submitters: Likely benign (2). Last evaluated 2023-12-02.

Conditions:
Cardiovascular phenotype. Identifiers: MedGen CN230736.

Allele frequency attached by ClinVar (database versions not stated): gnomAD exomes below 0.00001; TOPMed 0.00002; ESP Exome Variant Server 0.00008.
gnomAD v4.1: 2 of 1,613,220 alleles (0.00012%); highest among the groups gnomAD compares: Non-Finnish European, 0.00017%; no homozygotes.

Submissions (2):

Ambry Genetics
Classification: Likely benign for Cardiovascular phenotype. Last evaluated: 2023-12-02. Review status: criteria provided, single submitter. Criteria: Ambry Variant Classification Scheme 2023. Collection method: clinical testing. Allele origin: germline.

Laboratory for Molecular Medicine, Mass General Brigham Personalized Medicine
Classification: Likely benign. Last evaluated: 2012-03-19. Review status: criteria provided, single submitter. Criteria: LMM Criteria. Collection method: clinical testing. Allele origin: germline. Observed: 1 variant allele.
Comment: Val22159Val in exon 275 of TTN: This variant is not expected to have clinical si gnificance because it does not alter an amino acid residue and is not located wi thin the splice consensus sequence. It has been identified in 1/6696 European Am erican chromosomes from a broad population by the NHLBI Exome Sequencing Project. Val22159Val in exon 275 of TTN (allele fre quency = 1/6696) **

NM_001267550.2(TTN):c.74181A>G (p.Val24727=)

Genes: TTN-AS1 (TTN antisense RNA 1; plus strand), TTN (titin; minus strand). Cytogenetic location: 2q31.2.
Variant type: single nucleotide variant.
Coding change: c.74181A>G on transcript NM_001267550.2 (MANE Select); coding-DNA position 74181, A replaced by G.
Protein change: p.Val24727=; no amino-acid change (valine 24727 retained).
Molecular consequence: synonymous variant.
Genome position (GRCh38, 1-based): chr2:178,571,951, T>C on the plus strand (A>G on the coding strand, the complement: TTN is on the minus strand). VCF-style: chr2-178571951-T-C. GRCh37 (hg19) VCF-style: chr2-179436678-T-C.
Other names: c.66477A>G, p.Val22159= (NM_133378.4); c.69258A>G, p.Val23086= (NM_001256850.1); c.46986A>G, p.Val15662= (NM_003319.4); c.47361A>G, p.Val15787= (NM_133432.3); c.47562A>G, p.Val15854= (NM_133437.4).
Identifiers: ClinVar variation 47326 (VCV000047326.6), dbSNP rs374889737, ClinGen allele CA140692.